The following is an entry in ClinVar:

NM_015570.4(AUTS2):c.2068C>T (p.Pro690Ser)

Gene: AUTS2 (activator of transcription and developmental regulator AUTS2; plus strand). Cytogenetic location: 7q11.22.
Variant type: single nucleotide variant.
Coding change: c.2068C>T on transcript NM_015570.4 (MANE Select); coding-DNA position 2068, C replaced by T.
Protein change: p.Pro690Ser; replaces proline 690 with serine.
Molecular consequence: missense variant.
Genome position (GRCh38, 1-based): chr7:70,781,678, C>T. VCF-style: chr7-70781678-C-T. GRCh37 (hg19) VCF-style: chr7-70246664-C-T.
Other names: c.2068C>T (NM_015570.3); c.1996C>T, p.Pro666Ser (NM_001127231.3); short protein forms P666S, P690S.
Identifiers: ClinVar variation 1219413 (VCV001219413.10), dbSNP rs144926407, ClinGen allele CA4280904.

ClinVar aggregate classification (germline): Likely benign. Review status: criteria provided, multiple submitters, no conflicts (2 of 4 stars). 3 submissions from 3 submitters: Likely benign (2). 1 of the submissions does not count toward it. Last evaluated 2025-07-06.

Conditions:
AUTS2-related disorder. Also called: AUTS2-related condition.

Allele frequency attached by ClinVar (database versions not stated): gnomAD exomes 0.00004; gnomAD 0.00039 and 0.00045; ESP Exome Variant Server 0.00062.
gnomAD v4.1: 113 of 1,614,052 alleles (0.007%); highest among the groups gnomAD compares: African/African-American, 0.15%; no homozygotes.

Submissions (3):

Labcorp Genetics (formerly Invitae), Labcorp
Classification: Likely benign. Last evaluated: 2025-07-06. Review status: criteria provided, single submitter. Criteria: Invitae Variant Classification Sherloc (09022015). Collection method: clinical testing. Allele origin: germline.

GeneDx
Classification: Likely benign. Last evaluated: 2020-09-09. Review status: criteria provided, single submitter. Criteria: GeneDx Variant Classification Process June 2021. Collection method: clinical testing. Allele origin: germline. Affected: yes.

PreventionGenetics, part of Exact Sciences
Classification: Likely benign for AUTS2-related condition. Last evaluated: 2022-02-03. Review status: no assertion criteria provided. Collection method: clinical testing. Allele origin: germline. Not counted in ClinVar's aggregate classification.
Comment: This variant is classified as likely benign based on ACMG/AMP sequence variant interpretation guidelines (Richards et al. 2015 PMID: 25741868, with internal and published modifications).